The following is an entry in ClinVar:

ClinVar aggregate classification (germline): Uncertain significance. Review status: criteria provided, single submitter (1 of 4 stars). 2 submissions from 2 submitters: Uncertain significance (1). 1 of the submissions does not count toward it. Last evaluated 2020-06-22.

Conditions:
Familial dysautonomia. Also called: HSAN III; FD. Identifiers: Orphanet 1764, MedGen C0013364, MONDO:0009131, OMIM 223900. Disease mechanism: loss of function.

Allele frequency attached by ClinVar (database versions not stated): gnomAD exomes below 0.00001; TOPMed below 0.00001; gnomAD 0.00001.
gnomAD v4.1: 6 of 1,613,804 alleles (0.00037%); highest among the groups gnomAD compares: Non-Finnish European, 0.00051%; no homozygotes.

Submissions (2):

Labcorp Genetics (formerly Invitae), Labcorp
Classification: Uncertain significance. Last evaluated: 2020-06-22. Review status: criteria provided, single submitter. Criteria: Invitae Variant Classification Sherloc (09022015). Collection method: clinical testing. Allele origin: germline.
Comment: This sequence change falls in intron 11 of the ELP1 gene. It does not directly change the encoded amino acid sequence of the ELP1 protein. This variant is not present in population databases (ExAC no frequency). This variant has not been reported in the literature in individuals with ELP1-related conditions. Algorithms developed to predict the effect of sequence changes on RNA splicing suggest that this variant may disrupt the consensus splice site, but this prediction has not been confirmed by published transcriptional studies. In summary, the available evidence is currently insufficient to determine the role of this variant in disease. Therefore, it has been classified as a Variant of Uncertain Significance.

Natera, Inc.
Classification: Uncertain significance for Familial dysautonomia. Last evaluated: 2021-03-19. Review status: no assertion criteria provided. Collection method: clinical testing. Allele origin: germline. Not counted in ClinVar's aggregate classification.

NM_003640.5(ELP1):c.1190-6C>G

Gene: ELP1 (elongator acetyltransferase complex subunit 1; minus strand). Cytogenetic location: 9q31.3.
Variant type: single nucleotide variant.
Coding change: c.1190-6C>G on transcript NM_003640.5 (MANE Select); 6 bases into the intron before coding-DNA position 1190, C replaced by G.
Molecular consequence: intron variant.
Genome position (GRCh38, 1-based): chr9:108,911,186, G>C on the plus strand (C>G on the coding strand, the complement: ELP1 is on the minus strand). VCF-style: chr9-108911186-G-C. GRCh37 (hg19) VCF-style: chr9-111673466-G-C.
Other names: c.848-6C>G (NM_001318360.2); c.143-6C>G (NM_001330749.2).
Identifiers: ClinVar variation 1039545 (VCV001039545.9), dbSNP rs1340978905, ClinGen allele CA858468514.
Genomic context (GRCh38, chr9:108,911,186, plus strand): 5'-GTGCACATGGGAGGCGGAACCACAGTCTGCCGGAAGACTGTCACCAACACCCTGTCTGCA[G>C]TGAAAAAGAAAGAAGAGGATTAGACCTAGGGATATTCAATTTGTAAGATAAGCCATCTGA-3'